The following is an entry in ClinVar:

ClinVar aggregate classification (germline): Uncertain significance (1 of 4 stars; one submission).

gnomAD v4.1: 1 of 1,609,536 alleles (0.000062%); highest among the groups gnomAD compares: Non-Finnish European, 0.000085%; no homozygotes.

Submission:

Labcorp Genetics (formerly Invitae), Labcorp
Classification: Uncertain significance. Last evaluated: 2022-08-08. Review status: criteria provided, single submitter. Criteria: Invitae Variant Classification Sherloc (09022015). Collection method: clinical testing. Allele origin: germline.
Comment: This sequence change replaces valine, which is neutral and non-polar, with leucine, which is neutral and non-polar, at codon 4876 of the ADGRV1 protein (p.Val4876Leu). This variant is not present in population databases (gnomAD no frequency). This variant has not been reported in the literature in individuals affected with ADGRV1-related conditions. Algorithms developed to predict the effect of missense changes on protein structure and function output the following: SIFT: "Tolerated"; PolyPhen-2: "Benign"; Align-GVGD: "Class C0". The leucine amino acid residue is found in multiple mammalian species, which suggests that this missense change does not adversely affect protein function. In summary, the available evidence is currently insufficient to determine the role of this variant in disease. Therefore, it has been classified as a Variant of Uncertain Significance.

NM_032119.4(ADGRV1):c.14626G>C (p.Val4876Leu)

Gene: ADGRV1 (adhesion G protein-coupled receptor V1; plus strand). Cytogenetic location: 5q14.3.
Variant type: single nucleotide variant.
Coding change: c.14626G>C on transcript NM_032119.4 (MANE Select); coding-DNA position 14626, G replaced by C.
Protein change: p.Val4876Leu; replaces valine 4876 with leucine.
Molecular consequence: missense variant. On other transcripts: non-coding transcript variant (1).
Genome position (GRCh38, 1-based): chr5:90,802,847, G>C. VCF-style: chr5-90802847-G-C. GRCh37 (hg19) VCF-style: chr5-90098664-G-C.
Other names: short protein forms V4876L.
Identifiers: ClinVar variation 1714687 (VCV001714687.3), dbSNP rs774111526, ClinGen allele CA360405311.